The following is an entry in ClinVar:

ClinVar aggregate classification (germline): Benign. Review status: criteria provided, multiple submitters, no conflicts (2 of 4 stars). 2 submissions from 2 submitters: Benign (2). Last evaluated 2018-06-19.

Allele frequency attached by ClinVar (database versions not stated): gnomAD exomes 0.00590; 1000 Genomes Project 30x 0.04435; 1000 Genomes Project 0.04692; TOPMed 0.04967.
gnomAD v4.1: 9,352 of 600,306 alleles (1.6%); highest among the groups gnomAD compares: African/African-American, 14%; 544 homozygotes.

Submissions (2):

GeneDx
Classification: Benign. Last evaluated: 2018-06-19. Review status: criteria provided, single submitter. Criteria: GeneDx Variant Classification (06012015). Collection method: clinical testing. Allele origin: germline. Affected: yes.
Comment: This variant is considered likely benign or benign based on one or more of the following criteria: it is a conservative change, it occurs at a poorly conserved position in the protein, it is predicted to be benign by multiple in silico algorithms, and/or has population frequency not consistent with disease.

Breakthrough Genomics
Classification: Benign. Review status: criteria provided, single submitter. Criteria: ACMG Guidelines, 2015. Collection method: not provided. Allele origin: germline. Inheritance: Autosomal recessive inheritance. Affected: yes.

NM_198576.4(AGRN):c.464-240A>C

Gene: AGRN (agrin; plus strand). Cytogenetic location: 1p36.33.
Variant type: single nucleotide variant.
Coding change: c.464-240A>C on transcript NM_198576.4 (MANE Select); 240 bases into the intron before coding-DNA position 464, A replaced by C.
Molecular consequence: intron variant.
Genome position (GRCh38, 1-based): chr1:1,035,037, A>C. VCF-style: chr1-1035037-A-C. GRCh37 (hg19) VCF-style: chr1-970417-A-C.
Other names: c.464-240A>C (NM_001305275.2); c.149-240A>C (NM_001364727.2).
Identifiers: ClinVar variation 678943 (VCV000678943.2), dbSNP rs111329619, ClinGen allele CA16745186.